The following is an entry in ClinVar:

ClinVar aggregate classification (germline): Uncertain significance (1 of 4 stars; one submission).

Conditions:
Insulin-dependent diabetes mellitus secretory diarrhea syndrome (IPEX). Also called: DIABETES MELLITUS, CONGENITAL INSULIN-DEPENDENT, WITH FATAL SECRETORY DIARRHEA; DIARRHEA, POLYENDOCRINOPATHY, FATAL INFECTION SYNDROME, X-LINKED; ENTEROPATHY, AUTOIMMUNE, WITH HEMOLYTIC ANEMIA AND POLYENDOCRINOPATHY; X-Linked Autoimmunity-Allergic Dysregulation Syndrome; IMMUNODEFICIENCY, POLYENDOCRINOPATHY, AND ENTEROPATHY, X-LINKED; Immunodysregulation, polyendocrinopathy, and enteropathy, X-linked. Identifiers: Orphanet 37042, MedGen C0342288, MONDO:0010580, OMIM 304790. Disease mechanism: loss of function.

Submission:

Laboratorio de Genetica e Diagnostico Molecular, Hospital Israelita Albert Einstein
Classification: Uncertain significance for Insulin-dependent diabetes mellitus secretory diarrhea syndrome. Last evaluated: 2022-04-08. Review status: criteria provided, single submitter. Criteria: ACMG Guidelines, 2015. Collection method: clinical testing. Allele origin: germline. Affected: yes. Observed: 1 variant allele.
Comment: ACMG classification criteria: PM2 moderated, PP3 supporting

NM_014009.4(FOXP3):c.716T>C (p.Val239Ala)

Gene: FOXP3 (forkhead box P3; minus strand). Cytogenetic location: Xp11.23.
Variant type: single nucleotide variant.
Coding change: c.716T>C on transcript NM_014009.4 (MANE Select); coding-DNA position 716, T replaced by C.
Protein change: p.Val239Ala; replaces valine 239 with alanine.
Molecular consequence: missense variant.
Genome position (GRCh38, 1-based): chrX:49,255,734, A>G on the plus strand (T>C on the coding strand, the complement: FOXP3 is on the minus strand). VCF-style: chrX-49255734-A-G. GRCh37 (hg19) VCF-style: chrX-49112195-A-G.
Other names: c.611T>C, p.Val204Ala (NM_001114377.2); short protein forms V204A, V239A.
Identifiers: ClinVar variation 2431861 (VCV002431861.1), dbSNP rs2519192122, ClinGen allele CA412951091.
Genomic context (GRCh38, chrX:49,255,734, plus strand): 5'-GCACTATCCCTATCCCTTACCCTCCACCGCCCTGGCATTACCTGCTGCTCCAGAGACTGT[A>G]CCATCTCTCTCTGGAGGAGACATTGTGCCCTGCCCTTCTCATCCAGAAGATGGTCCGCCT-3'
Protein context (NP_054728.2, residues 229-249): RAQCLLQREM[Val239Ala]QSLEQQLVLE